The following is an entry in ClinVar:

NM_006939.4(SOS2):c.205G>A (p.Asp69Asn)

Gene: SOS2 (SOS Ras/Rho guanine nucleotide exchange factor 2; minus strand). Cytogenetic location: 14q21.3.
Variant type: single nucleotide variant.
Coding change: c.205G>A on transcript NM_006939.4 (MANE Select); coding-DNA position 205, G replaced by A.
Protein change: p.Asp69Asn; replaces aspartic acid 69 with asparagine.
Molecular consequence: missense variant.
Genome position (GRCh38, 1-based): chr14:50,204,292, C>T on the plus strand (G>A on the coding strand, the complement: SOS2 is on the minus strand). VCF-style: chr14-50204292-C-T. GRCh37 (hg19) VCF-style: chr14-50671010-C-T.
Other names: c.205G>A, p.Asp69Asn (NM_001411020.1); short protein forms D69N.
Identifiers: ClinVar variation 2709443 (VCV002709443.3), dbSNP rs2503209200, ClinGen allele CA389650977.
Genomic context (GRCh38, chr14:50,204,292, plus strand): 5'-TTAATTCATACAGTGGTTGAGTGACTTTTTGAAATGACAAAATAATTTTTACCTCTACAT[C>T]TTGAACAGTCCTTGGCTGGGCCATGCATAATTTATTAAGCAGCTGAAAAATCAGCTCTTC-3'
Protein context (NP_008870.2, residues 59-79): LCMAQPRTVQ[Asp69Asn]VEERVQKTFP

ClinVar aggregate classification (germline): Uncertain significance (1 of 4 stars; one submission).

Conditions:
Noonan syndrome 9 (NS9). Identifiers: Orphanet 648, MedGen C4225282, MONDO:0014691, OMIM 616559.

gnomAD v4.1: 1 of 1,582,596 alleles (0.000063%); highest among the groups gnomAD compares: Non-Finnish European, 0.000086%; no homozygotes.

Submission:

Labcorp Genetics (formerly Invitae), Labcorp
Classification: Uncertain significance for Noonan syndrome 9. Last evaluated: 2024-01-21. Review status: criteria provided, single submitter. Criteria: Invitae Variant Classification Sherloc (09022015). Collection method: clinical testing. Allele origin: germline.
Comment: This sequence change replaces aspartic acid, which is acidic and polar, with asparagine, which is neutral and polar, at codon 69 of the SOS2 protein (p.Asp69Asn). This variant is not present in population databases (gnomAD no frequency). This variant has not been reported in the literature in individuals affected with SOS2-related conditions. Advanced modeling of protein sequence and biophysical properties (such as structural, functional, and spatial information, amino acid conservation, physicochemical variation, residue mobility, and thermodynamic stability) performed at Invitae indicates that this missense variant is expected to disrupt SOS2 protein function with a positive predictive value of 80%. In summary, the available evidence is currently insufficient to determine the role of this variant in disease. Therefore, it has been classified as a Variant of Uncertain Significance.